The following is an entry in ClinVar:

NM_000343.4(SLC5A1):c.583+3G>A

Gene: SLC5A1 (solute carrier family 5 member 1; plus strand). Cytogenetic location: 22q12.3.
Variant type: single nucleotide variant.
Coding change: c.583+3G>A on transcript NM_000343.4 (MANE Select); 3 bases into the intron after coding-DNA position 583, G replaced by A.
Molecular consequence: intron variant.
Genome position (GRCh38, 1-based): chr22:32,081,974, G>A. VCF-style: chr22-32081974-G-A. GRCh37 (hg19) VCF-style: chr22-32477961-G-A.
Other names: c.202+3G>A (NM_001256314.2).
Identifiers: ClinVar variation 1896685 (VCV001896685.2), dbSNP rs377350650, ClinGen allele CA323374576.
Genomic context (GRCh38, chr22:32,081,974, plus strand): 5'-AATCTGTATTTAGCCATCTTTCTCTTATTGGCAATCACTGCCCTTTACACAATTACAGGT[G>A]AGTCCATTCAAATAAACCAGCACCTCAAACCCAGCTCGGGATCAGGCACTAGTGAAGGAT-3'

ClinVar aggregate classification (germline): Uncertain significance (1 of 4 stars; one submission).

Conditions:
Congenital glucose-galactose malabsorption (GGM). Also called: DIARRHEA 16; MONOSACCHARIDE MALABSORPTION. Identifiers: Orphanet 35710, MedGen C0268186, MONDO:0011731, OMIM 606824.

Allele frequency attached by ClinVar (database versions not stated): gnomAD exomes below 0.00001.
gnomAD v4.1: 4 of 1,589,544 alleles (0.00025%); highest among the groups gnomAD compares: Non-Finnish European, 0.000086%; no homozygotes.

Submission:

Labcorp Genetics (formerly Invitae), Labcorp
Classification: Uncertain significance for Congenital glucose-galactose malabsorption. Last evaluated: 2022-09-29. Review status: criteria provided, single submitter. Criteria: Invitae Variant Classification Sherloc (09022015). Collection method: clinical testing. Allele origin: germline.
Comment: This sequence change falls in intron 6 of the SLC5A1 gene. It does not directly change the encoded amino acid sequence of the SLC5A1 protein. It affects a nucleotide within the consensus splice site. This variant is not present in population databases (gnomAD no frequency). This variant has not been reported in the literature in individuals affected with SLC5A1-related conditions. Variants that disrupt the consensus splice site are a relatively common cause of aberrant splicing (PMID: 17576681, 9536098). Algorithms developed to predict the effect of sequence changes on RNA splicing suggest that this variant is not likely to affect RNA splicing. In summary, the available evidence is currently insufficient to determine the role of this variant in disease. Therefore, it has been classified as a Variant of Uncertain Significance.

Literature cited by the submitters: PubMed 17576681; PubMed 9536098.